The following is an entry in ClinVar:

ClinVar aggregate classification (germline): Likely pathogenic (1 of 4 stars; one submission).

Conditions:
Joubert syndrome. Also called: CEREBELLOPARENCHYMAL DISORDER IV; JOUBERT-BOLTSHAUSER SYNDROME; Familial aplasia of the vermis. Identifiers: Orphanet 475, MedGen C5979921, MONDO:0018772.

gnomAD v4.1: 1 of 1,528,588 alleles (0.000065%); highest among the groups gnomAD compares: Non-Finnish European, 0.000088%; no homozygotes.

Submission:

Labcorp Genetics (formerly Invitae), Labcorp
Classification: Likely pathogenic for Joubert syndrome. Last evaluated: 2025-11-28. Review status: criteria provided, single submitter. Criteria: Invitae Variant Classification Sherloc (09022015). Collection method: clinical testing. Allele origin: germline.
Comment: This sequence change affects an acceptor splice site in intron 11 of the AHI1 gene. It is expected to disrupt RNA splicing. Variants that disrupt the donor or acceptor splice site typically lead to a loss of protein function (PMID: 16199547), and loss-of-function variants in AHI1 are known to be pathogenic (PMID: 15322546, 16453322, 28442542, 29186038). This variant is not present in population databases (gnomAD no frequency). This variant has not been reported in the literature in individuals affected with AHI1-related conditions. Algorithms developed to predict the effect of sequence changes on RNA splicing suggest that this variant may disrupt the consensus splice site. In summary, the currently available evidence indicates that the variant is pathogenic, but additional data are needed to prove that conclusively. Therefore, this variant has been classified as Likely Pathogenic.

Literature cited by the submitters: PubMed 16199547; PubMed 15322546; PubMed 16453322; PubMed 28442542; PubMed 29186038.

NM_001134831.2(AHI1):c.1627-1G>C

Gene: AHI1 (Abelson helper integration site 1; minus strand). Cytogenetic location: 6q23.3.
Variant type: single nucleotide variant.
Coding change: c.1627-1G>C on transcript NM_001134831.2 (MANE Select); the canonical splice acceptor site of the intron before coding-DNA position 1627, G replaced by C.
Molecular consequence: splice acceptor variant.
Genome position (GRCh38, 1-based): chr6:135,447,161, C>G on the plus strand (G>C on the coding strand, the complement: AHI1 is on the minus strand). VCF-style: chr6-135447161-C-G. GRCh37 (hg19) VCF-style: chr6-135768299-C-G.
Other names: c.1627-1G>C (NM_001134830.2, NM_001350503.2, NM_017651.5 and 2 more transcripts).
Identifiers: ClinVar variation 4744157 (VCV004744157.1).
Genomic context (GRCh38, chr6:135,447,161, plus strand): 5'-ATGCACTGGTTTACCTTTTTCCTCCTGAAGAGCCATCATAGAGCGGTAAGATGGCTTTAT[C>G]TAAATATGCATTAAAATATGAAAATTTATATACCATGTTCACCTTTTTCTTTTTCTAGCA-3'